The following is an entry in ClinVar:

ClinVar aggregate classification (germline): Uncertain significance (1 of 4 stars; one submission).

Allele frequency attached by ClinVar (database versions not stated): gnomAD exomes below 0.00001; ExAC 0.00001.
gnomAD v4.1: 5 of 1,614,180 alleles (0.00031%); highest among the groups gnomAD compares: Middle Eastern, 0.017%; no homozygotes.

Submission:

Labcorp Genetics (formerly Invitae), Labcorp
Classification: Uncertain significance. Last evaluated: 2022-06-08. Review status: criteria provided, single submitter. Criteria: Invitae Variant Classification Sherloc (09022015). Collection method: clinical testing. Allele origin: germline.
Comment: This sequence change replaces serine, which is neutral and polar, with phenylalanine, which is neutral and non-polar, at codon 152 of the OCA2 protein (p.Ser152Phe). This variant is present in population databases (rs756930764, gnomAD 0.006%). This variant has not been reported in the literature in individuals affected with OCA2-related conditions. Advanced modeling of protein sequence and biophysical properties (such as structural, functional, and spatial information, amino acid conservation, physicochemical variation, residue mobility, and thermodynamic stability) performed at Invitae indicates that this missense variant is not expected to disrupt OCA2 protein function. In summary, the available evidence is currently insufficient to determine the role of this variant in disease. Therefore, it has been classified as a Variant of Uncertain Significance.

NM_000275.3(OCA2):c.455C>T (p.Ser152Phe)

Gene: OCA2 (OCA2 melanosomal transmembrane protein; minus strand). Cytogenetic location: 15q13.1.
Variant type: single nucleotide variant.
Coding change: c.455C>T on transcript NM_000275.3 (MANE Select); coding-DNA position 455, C replaced by T.
Protein change: p.Ser152Phe; replaces serine 152 with phenylalanine.
Molecular consequence: missense variant.
Genome position (GRCh38, 1-based): chr15:28,027,931, G>A on the plus strand (C>T on the coding strand, the complement: OCA2 is on the minus strand). VCF-style: chr15-28027931-G-A. GRCh37 (hg19) VCF-style: chr15-28273077-G-A.
Other names: c.455C>T, p.Ser152Phe (NM_001300984.2); short protein forms S152F.
Identifiers: ClinVar variation 1963316 (VCV001963316.2), dbSNP rs756930764, ClinGen allele CA7439492.